The following is an entry in ClinVar:

NM_000026.4(ADSL):c.1138A>G (p.Met380Val)

Gene: ADSL (adenylosuccinate lyase; plus strand). Cytogenetic location: 22q13.1.
Variant type: single nucleotide variant.
Coding change: c.1138A>G on transcript NM_000026.4 (MANE Select); coding-DNA position 1138, A replaced by G.
Protein change: p.Met380Val; replaces methionine 380 with valine.
Molecular consequence: missense variant. On other transcripts: non-coding transcript variant (1).
Genome position (GRCh38, 1-based): chr22:40,364,312, A>G. VCF-style: chr22-40364312-A-G. GRCh37 (hg19) VCF-style: chr22-40760316-A-G.
Other names: c.1138A>G (NM_000026.2); c.1138A>G, p.Met380Val (NM_001123378.3, NM_001363840.3); c.946A>G, p.Met316Val (NM_001317923.2); short protein forms M316V, M380V.
Identifiers: ClinVar variation 1484359 (VCV001484359.6), dbSNP rs368160421, ClinGen allele CA324460268.
Genomic context (GRCh38, chr22:40,364,312, plus strand): 5'-CATTCACCGTATCTTTTCCTATAGGTAATTGAACGGCGCATTCGGCAAGAGCTGCCTTTC[A>G]TGGCCACAGAGAACATCATCATGGCCATGGTCAAAGCTGGAGGTAGCCGCCAGGTTTGTA-3'
Protein context (NP_000017.1, residues 370-390): ERRIRQELPF[Met380Val]ATENIIMAMV

ClinVar aggregate classification (germline): Uncertain significance. Review status: criteria provided, multiple submitters, no conflicts (2 of 4 stars). 2 submissions from 2 submitters: Uncertain significance (2). Last evaluated 2025-02-08.

Conditions:
Inborn genetic diseases. Identifiers: MedGen C0950123, MeSH D030342.
Adenylosuccinate lyase deficiency (ADSLD). Also called: ADSL DEFICIENCY. Identifiers: Orphanet 46, MedGen C0268126, MONDO:0007068, OMIM 103050.

Allele frequency attached by ClinVar (database versions not stated): gnomAD 0.00001; gnomAD exomes 0.00001; TOPMed 0.00002; ESP Exome Variant Server 0.00008.
gnomAD v4.1: 12 of 1,613,970 alleles (0.00074%); highest among the groups gnomAD compares: Non-Finnish European, 0.001%; no homozygotes.

Submissions (2):

Ambry Genetics
Classification: Uncertain significance for Inborn genetic diseases. Last evaluated: 2025-02-08. Review status: criteria provided, single submitter. Criteria: Ambry Variant Classification Scheme 2023. Collection method: clinical testing. Allele origin: germline.

Labcorp Genetics (formerly Invitae), Labcorp
Classification: Uncertain significance for Adenylosuccinate lyase deficiency. Last evaluated: 2022-09-29. Review status: criteria provided, single submitter. Criteria: Invitae Variant Classification Sherloc (09022015). Collection method: clinical testing. Allele origin: germline.
Comment: This sequence change replaces methionine, which is neutral and non-polar, with valine, which is neutral and non-polar, at codon 380 of the ADSL protein (p.Met380Val). This variant is present in population databases (rs368160421, gnomAD 0.002%). This variant has not been reported in the literature in individuals affected with ADSL-related conditions. ClinVar contains an entry for this variant (Variation ID: 1484359). Advanced modeling of protein sequence and biophysical properties (such as structural, functional, and spatial information, amino acid conservation, physicochemical variation, residue mobility, and thermodynamic stability) has been performed at Invitae for this missense variant, however the output from this modeling did not meet the statistical confidence thresholds required to predict the impact of this variant on ADSL protein function. In summary, the available evidence is currently insufficient to determine the role of this variant in disease. Therefore, it has been classified as a Variant of Uncertain Significance.